The following is an entry in ClinVar:

ClinVar aggregate classification (germline): Pathogenic. Review status: criteria provided, multiple submitters, no conflicts (2 of 4 stars). 2 submissions from 2 submitters: Pathogenic (2). Last evaluated 2021-03-21.

Conditions:
Neurofibromatosis, type 1 (NF1). Also called: NEUROFIBROMATOSIS, TYPE I, SOMATIC; VON RECKLINGHAUSEN DISEASE; Neurofibromatosis, type I; Peripheral type neurofibromatosis. Identifiers: Orphanet 636, MedGen C0027831, MONDO:0018975, OMIM 162200. Disease mechanism: loss of function.

Submissions (2):

Labcorp Genetics (formerly Invitae), Labcorp
Classification: Pathogenic for Neurofibromatosis, type 1. Last evaluated: 2021-03-21. Review status: criteria provided, single submitter. Criteria: Invitae Variant Classification Sherloc (09022015). Collection method: clinical testing. Allele origin: germline.
Comment: For these reasons, this variant has been classified as Pathogenic. This variant has not been reported in the literature in individuals with NF1-related conditions. This variant is not present in population databases (ExAC no frequency). This sequence change creates a premature translational stop signal (p.Asn1864Ilefs*2) in the NF1 gene. It is expected to result in an absent or disrupted protein product. Loss-of-function variants in NF1 are known to be pathogenic (PMID: 10712197, 23913538).

Breakthrough Genomics
Classification: Pathogenic for Neurofibromatosis, type 1. Last evaluated: 2020-09-12. Review status: criteria provided, single submitter. Criteria: ACMG Guidelines, 2015. Collection method: clinical testing. Allele origin: germline. Affected: yes.
Comment: This variant is predicted to cause a frameshift and consequent premature termination of the protein and the resultant protein will likely to lack bipartite nuclear localization signal motif [Uniprot] of the protein; this will likely result in loss-of-function (LOF). It is previously reported that LOF mutations in the NF1 gene are the common mechanism for causing the Neurofibromatosis type 1 (NF1) disease [PMID: 31507634]. Due to the introduction of a premature stop codon, this aberrant transcript will likely be targeted by the nonsense-mediated mRNA decay (NMD) mechanism [PMID: 15040442]. The variant seems to be a novel variant, as it has not been previously reported in public or population databases or in the literature.

Literature cited by the submitters: PubMed 10712197 (cited by Labcorp Genetics (formerly Invitae), Labcorp); PubMed 23913538 (cited by Labcorp Genetics (formerly Invitae), Labcorp).

NM_001042492.3(NF1):c.5654del (p.Asn1885fs)

Gene: NF1 (neurofibromin 1; plus strand). Cytogenetic location: 17q11.2.
Variant type: Deletion.
Coding change: c.5654del on transcript NM_001042492.3 (MANE Select); coding-DNA position 5654, one base deleted (A; older notation c.5654delA).
Protein change: p.Asn1885fs; shifts the reading frame from asparagine 1885.
Molecular consequence: frameshift variant.
Genome position (GRCh38, 1-based): chr17:31,330,340, A deleted; the last of 2 consecutive A bases (chr17:31,330,339-31,330,340); deleting either gives the same sequence. VCF-style (leftmost placement, unchanged base first): chr17-31330338-TA-T. GRCh37 (hg19) VCF-style: chr17-29657356-TA-T.
Other names: p.Asn1864IlefsTer2; c.5591delA, p.Asn1864Ilefs (NM_000267.4); c.5591delA (NM_000267.3); short protein forms N1864fs, N1885fs.
Identifiers: ClinVar variation 1358575 (VCV001358575.8), dbSNP rs2151544511, ClinGen allele CA1139532437.